The following is an entry in ClinVar:

ClinVar aggregate classification (germline): Uncertain significance. Review status: criteria provided, multiple submitters, no conflicts (2 of 4 stars). 2 submissions from 2 submitters: Uncertain significance (2). Last evaluated 2024-10-20.

Conditions:
Inborn genetic diseases. Identifiers: MedGen C0950123, MeSH D030342.

Allele frequency attached by ClinVar (database versions not stated): gnomAD exomes below 0.00001; ExAC 0.00001; TOPMed 0.00002; gnomAD 0.00003; 1000 Genomes Project 30x 0.00062; 1000 Genomes Project 0.00080.
gnomAD v4.1: 9 of 1,612,232 alleles (0.00056%); highest among the groups gnomAD compares: African/African-American, 0.012%; no homozygotes.

Submissions (2):

Ambry Genetics
Classification: Uncertain significance for Inborn genetic diseases. Last evaluated: 2024-10-20. Review status: criteria provided, single submitter. Criteria: Ambry Variant Classification Scheme 2023. Collection method: clinical testing. Allele origin: germline.

Labcorp Genetics (formerly Invitae), Labcorp
Classification: Uncertain significance. Last evaluated: 2022-10-20. Review status: criteria provided, single submitter. Criteria: Invitae Variant Classification Sherloc (09022015). Collection method: clinical testing. Allele origin: germline.
Comment: This variant has not been reported in the literature in individuals affected with TONSL-related conditions. The frequency data for this variant in the population databases is considered unreliable, as metrics indicate poor data quality at this position in the gnomAD database. This sequence change replaces alanine, which is neutral and non-polar, with serine, which is neutral and polar, at codon 1093 of the TONSL protein (p.Ala1093Ser). In summary, the available evidence is currently insufficient to determine the role of this variant in disease. Therefore, it has been classified as a Variant of Uncertain Significance. Advanced modeling of protein sequence and biophysical properties (such as structural, functional, and spatial information, amino acid conservation, physicochemical variation, residue mobility, and thermodynamic stability) performed at Invitae indicates that this missense variant is not expected to disrupt TONSL protein function.

NM_013432.5(TONSL):c.3277G>T (p.Ala1093Ser)

Gene: TONSL (tonsoku like, DNA repair protein; minus strand). Cytogenetic location: 8q24.3.
Variant type: single nucleotide variant.
Coding change: c.3277G>T on transcript NM_013432.5 (MANE Select); coding-DNA position 3277, G replaced by T.
Protein change: p.Ala1093Ser; replaces alanine 1093 with serine.
Molecular consequence: missense variant.
Genome position (GRCh38, 1-based): chr8:144,434,088, C>A on the plus strand (G>T on the coding strand, the complement: TONSL is on the minus strand). VCF-style: chr8-144434088-C-A. GRCh37 (hg19) VCF-style: chr8-145659471-C-A.
Other names: c.3277G>T (NM_013432.4); short protein forms A1093S.
Identifiers: ClinVar variation 2172918 (VCV002172918.4), dbSNP rs543310316, ClinGen allele CA4942546.
Genomic context (GRCh38, chr8:144,434,088, plus strand): 5'-CGGGACCCAGGTGATTGGAGGAGAGGTCAAGGAGGGCCAGGCTGGGCATGGTGCCCAGGG[C>A]AGCCACCAGCTCAGCCACACACTTGTCCCCCAGCCGGTTCCCTGCCAGGCGCAGCTCCCG-3'
Protein context (NP_038460.4, residues 1083-1103): GDKCVAELVA[Ala1093Ser]LGTMPSLALL